The following is an entry in ClinVar:

NM_001378418.1(TCF20):c.894G>T (p.Lys298Asn)

Gene: TCF20 (transcription factor 20; minus strand). Cytogenetic location: 22q13.2.
Variant type: single nucleotide variant.
Coding change: c.894G>T on transcript NM_001378418.1 (MANE Select); coding-DNA position 894, G replaced by T.
Protein change: p.Lys298Asn; replaces lysine 298 with asparagine.
Molecular consequence: missense variant.
Genome position (GRCh38, 1-based): chr22:42,214,412, C>A on the plus strand (G>T on the coding strand, the complement: TCF20 is on the minus strand). VCF-style: chr22-42214412-C-A. GRCh37 (hg19) VCF-style: chr22-42610418-C-A.
Other names: c.894G>T, p.Lys298Asn (NM_005650.4, NM_181492.3); short protein forms K298N.
Identifiers: ClinVar variation 1942789 (VCV001942789.5), dbSNP rs373435159, ClinGen allele CA10267276.

ClinVar aggregate classification (germline): Uncertain significance (1 of 4 stars; one submission).

Allele frequency attached by ClinVar (database versions not stated): ExAC 0.00001; TOPMed 0.00002; gnomAD 0.00003; ESP Exome Variant Server 0.00008.
gnomAD v4.1: 4 of 1,613,928 alleles (0.00025%); highest among the groups gnomAD compares: African/African-American, 0.0053%; no homozygotes.

Submission:

Labcorp Genetics (formerly Invitae), Labcorp
Classification: Uncertain significance. Last evaluated: 2022-09-13. Review status: criteria provided, single submitter. Criteria: Invitae Variant Classification Sherloc (09022015). Collection method: clinical testing. Allele origin: germline.
Comment: Algorithms developed to predict the effect of missense changes on protein structure and function are either unavailable or do not agree on the potential impact of this missense change (SIFT: "Deleterious"; PolyPhen-2: "Probably Damaging"; Align-GVGD: "Class C0"). This sequence change replaces lysine, which is basic and polar, with asparagine, which is neutral and polar, at codon 298 of the TCF20 protein (p.Lys298Asn). This variant is present in population databases (rs373435159, gnomAD 0.01%). This variant has not been reported in the literature in individuals affected with TCF20-related conditions. In summary, the available evidence is currently insufficient to determine the role of this variant in disease. Therefore, it has been classified as a Variant of Uncertain Significance.